The following is an entry in ClinVar:

NM_020117.11(LARS1):c.219T>C (p.Ala73=)

Gene: LARS1 (leucyl-tRNA synthetase 1; minus strand). Cytogenetic location: 5q32.
Variant type: single nucleotide variant.
Coding change: c.219T>C on transcript NM_020117.11 (MANE Select); coding-DNA position 219, T replaced by C.
Protein change: p.Ala73=; no amino-acid change (alanine 73 retained).
Molecular consequence: synonymous variant. On other transcripts: intron variant (1).
Genome position (GRCh38, 1-based): chr5:146,171,985, A>G on the plus strand (T>C on the coding strand, the complement: LARS1 is on the minus strand). VCF-style: chr5-146171985-A-G. GRCh37 (hg19) VCF-style: chr5-145551548-A-G.
Other names: c.219T>C, p.Ala73= (NM_001317964.2); c.57T>C, p.Ala19= (NM_001317965.2); c.213+702T>C (NM_016460.4).
Identifiers: ClinVar variation 512028 (VCV000512028.5), dbSNP rs758912469, ClinGen allele CA3489993.

ClinVar aggregate classification (germline): Likely benign. Review status: criteria provided, multiple submitters, no conflicts (2 of 4 stars). 2 submissions from 2 submitters: Likely benign (2). Last evaluated 2019-12-31.

Allele frequency attached by ClinVar (database versions not stated): ExAC 0.00001; gnomAD 0.00001; gnomAD exomes 0.00001; TOPMed 0.00001.
gnomAD v4.1: 23 of 1,612,078 alleles (0.0014%); highest among the groups gnomAD compares: Non-Finnish European, 0.0017%; no homozygotes.

Submissions (2):

Labcorp Genetics (formerly Invitae), Labcorp
Classification: Likely benign. Last evaluated: 2019-12-31. Review status: criteria provided, single submitter. Criteria: Invitae Variant Classification Sherloc (09022015). Collection method: clinical testing. Allele origin: germline.

GeneDx
Classification: Likely benign. Last evaluated: 2017-10-05. Review status: criteria provided, single submitter. Criteria: GeneDx Variant Classification (06012015). Collection method: clinical testing. Allele origin: germline. Affected: yes.
Comment: This variant is considered likely benign or benign based on one or more of the following criteria: it is a conservative change, it occurs at a poorly conserved position in the protein, it is predicted to be benign by multiple in silico algorithms, and/or has population frequency not consistent with disease.